The following is an entry in ClinVar:

ClinVar aggregate classification (germline): Uncertain significance (1 of 4 stars; one submission).

Allele frequency attached by ClinVar (database versions not stated): gnomAD exomes 0.00001; TOPMed 0.00001; gnomAD 0.00003 and 0.00004.
gnomAD v4.1: 13 of 1,420,026 alleles (0.00092%); highest among the groups gnomAD compares: African/African-American, 0.003%; no homozygotes.

Submission:

Center for Pediatric Genomic Medicine, Children's Mercy Hospital and Clinics
Classification: Uncertain significance. Last evaluated: 2016-11-21. Review status: criteria provided, single submitter. Criteria: ACMG Guidelines, 2015. Collection method: clinical testing. Allele origin: germline.
ClinVar note: Converted during submission from Uncertain Significance to Uncertain significance.

NM_138422.4(ADAT3):c.604C>T (p.Arg202Trp)

Genes: ADAT3 (adenosine deaminase tRNA specific 3; plus strand), SCAMP4 (secretory carrier membrane protein 4; plus strand). Cytogenetic location: 19p13.3.
Variant type: single nucleotide variant.
Coding change: c.604C>T on transcript NM_138422.4 (MANE Select); coding-DNA position 604, C replaced by T.
Protein change: p.Arg202Trp; replaces arginine 202 with tryptophan.
Molecular consequence: missense variant. On other transcripts: intron variant (3).
Genome position (GRCh38, 1-based): chr19:1,912,651, C>T. VCF-style: chr19-1912651-C-T. GRCh37 (hg19) VCF-style: chr19-1912650-C-T.
Other names: c.556C>T, p.Arg186Trp (NM_001329533.2); c.-41-2328C>T (NM_079834.4, NM_001329540.2); c.-125-5043C>T (NM_001329539.2); short protein forms R202W, R186W.
Identifiers: ClinVar variation 376801 (VCV000376801.3), dbSNP rs1057520060, ClinGen allele CA16603172.